The following is an entry in ClinVar:

ClinVar aggregate classification (germline): Benign/Likely benign. Review status: criteria provided, multiple submitters, no conflicts (2 of 4 stars). 5 submissions from 5 submitters: Benign (3); Likely benign (1). 1 of the submissions does not count toward it. Last evaluated 2025-06-17.

Conditions:
EPHA2-related disorder. Also called: EPHA2-related condition.
Cataract 6 multiple types. Also called: CATARACT, AGE-RELATED CORTICAL, 2; CATARACT 6, POSTERIOR POLAR; CATARACT 6, CONGENITAL TOTAL. Identifiers: Orphanet 91492, MedGen C1861825, MONDO:0007288, OMIM 116600.

Allele frequency attached by ClinVar (database versions not stated): ESP Exome Variant Server 0.00008; gnomAD 0.00039 and 0.00052; TOPMed 0.00080; ExAC 0.00098; gnomAD exomes 0.00108; 1000 Genomes Project 30x 0.00172; 1000 Genomes Project 0.00200.

Submissions (5):

Labcorp Genetics (formerly Invitae), Labcorp
Classification: Benign for Cataract 6 multiple types. Last evaluated: 2025-06-17. Review status: criteria provided, single submitter. Criteria: Invitae Variant Classification Sherloc (09022015). Collection method: clinical testing. Allele origin: germline.

Blueprint Genetics
Classification: Likely benign. Last evaluated: 2024-10-03. Review status: criteria provided, single submitter. Criteria: ACMG Guidelines, 2015. Collection method: clinical testing. Allele origin: germline.

Illumina Laboratory Services, Illumina
Classification: Benign for Cataract 6 multiple types. Last evaluated: 2018-01-13. Review status: criteria provided, single submitter. Criteria: ICSL Variant Classification Criteria 13 December 2019. Collection method: clinical testing. Allele origin: germline.
Comment: This variant was observed in the ICSL laboratory as part of a predisposition screen in an ostensibly healthy population. It had not been previously curated by ICSL or reported in the Human Gene Mutation Database (HGMD: prior to June 1st, 2018), and was therefore a candidate for classification through an automated scoring system. Utilizing variant allele frequency, disease prevalence and penetrance estimates, and inheritance mode, an automated score was calculated to assess if this variant is too frequent to cause the disease. Based on the score and internal cut-off values, a variant classified as benign is not then subjected to further curation. The score for this variant resulted in a classification of benign for this disease.

Breakthrough Genomics
Classification: Benign. Review status: criteria provided, single submitter. Criteria: ACMG Guidelines, 2015. Collection method: not provided. Allele origin: germline. Inheritance: Autosomal dominant inheritance. Affected: yes.

PreventionGenetics, part of Exact Sciences
Classification: Benign for EPHA2-related condition. Last evaluated: 2019-04-15. Review status: no assertion criteria provided. Collection method: clinical testing. Allele origin: germline. Not counted in ClinVar's aggregate classification.
Comment: This variant is classified as benign based on ACMG/AMP sequence variant interpretation guidelines (Richards et al. 2015 PMID: 25741868, with internal and published modifications).

NM_004431.5(EPHA2):c.1359C>T (p.Ser453=)

Gene: EPHA2 (EPH receptor A2; minus strand). Cytogenetic location: 1p36.13.
Variant type: single nucleotide variant.
Coding change: c.1359C>T on transcript NM_004431.5 (MANE Select); coding-DNA position 1359, C replaced by T.
Protein change: p.Ser453=; no amino-acid change (serine 453 retained).
Molecular consequence: synonymous variant.
Genome position (GRCh38, 1-based): chr1:16,135,724, G>A on the plus strand (C>T on the coding strand, the complement: EPHA2 is on the minus strand). VCF-style: chr1-16135724-G-A. GRCh37 (hg19) VCF-style: chr1-16462219-G-A.
Other names: c.1359C>T (NM_004431.4); c.1197C>T, p.Ser399= (NM_001329090.2).
Identifiers: ClinVar variation 293433 (VCV000293433.17), dbSNP rs55740291, ClinGen allele CA625220.